The following is an entry in ClinVar:

NM_004656.4(BAP1):c.1358A>C (p.Lys453Thr)

Gene: BAP1 (BRCA1 associated deubiquitinase 1; minus strand). Cytogenetic location: 3p21.1.
Variant type: single nucleotide variant.
Coding change: c.1358A>C on transcript NM_004656.4 (MANE Select); coding-DNA position 1358, A replaced by C.
Protein change: p.Lys453Thr; replaces lysine 453 with threonine.
Molecular consequence: missense variant.
Genome position (GRCh38, 1-based): chr3:52,403,787, T>G on the plus strand (A>C on the coding strand, the complement: BAP1 is on the minus strand). VCF-style: chr3-52403787-T-G. GRCh37 (hg19) VCF-style: chr3-52437803-T-G.
Other names: c.1358A>C (NM_004656.2); short protein forms K453T.
Identifiers: ClinVar variation 1007684 (VCV001007684.6), dbSNP rs758996824, ClinGen allele CA353101860.
Genomic context (GRCh38, chr3:52,403,787, plus strand): 5'-CTCCCAGCCCCGCTGCTAGTCTTGATGGACAGAGGAATTGAGAGGTCCTTCTGGGACTCT[T>G]TGAGCTTCTCAGCCAAGACGTTGATGGTGTTGGGCTGCAGCACTGACAGTTGCCCATCAG-3'
Protein context (NP_004647.1, residues 443-463): NTINVLAEKL[Lys453Thr]ESQKDLSIPL

ClinVar aggregate classification (germline): Uncertain significance. Review status: criteria provided, multiple submitters, no conflicts (2 of 4 stars). 2 submissions from 2 submitters: Uncertain significance (2). Last evaluated 2026-05-14.

Conditions:
Hereditary cancer-predisposing syndrome. Also called: Hereditary neoplastic syndrome; Neoplastic Syndromes, Hereditary; Tumor predisposition; Hereditary Cancer Syndrome. Identifiers: Orphanet 140162, MedGen C0027672, MeSH D009386, MONDO:0015356.
BAP1-related tumor predisposition syndrome (TPDS1). Also called: Tumor susceptibility linked to germline BAP1 mutations; COMMON Syndrome; TUMOR PREDISPOSITION SYNDROME 1; BAP1 tumor predisposition syndrome. Identifiers: Orphanet 289539, MedGen C3280492, MONDO:0013692, OMIM 614327.

Submissions (2):

Ambry Genetics
Classification: Uncertain significance for Hereditary cancer-predisposing syndrome. Last evaluated: 2026-05-14. Review status: criteria provided, single submitter. Criteria: Ambry Variant Classification Scheme 2023. Collection method: clinical testing. Allele origin: germline.
Comment: The p.K453T variant (also known as c.1358A>C), located in coding exon 13 of the BAP1 gene, results from an A to C substitution at nucleotide position 1358. The lysine at codon 453 is replaced by threonine, an amino acid with similar properties. This amino acid position is conserved. In addition, this alteration is predicted to be tolerated by in silico analysis. Based on the available evidence, the clinical significance of this variant remains unclear.

Labcorp Genetics (formerly Invitae), Labcorp
Classification: Uncertain significance for BAP1-related tumor predisposition syndrome. Last evaluated: 2022-11-01. Review status: criteria provided, single submitter. Criteria: Invitae Variant Classification Sherloc (09022015). Collection method: clinical testing. Allele origin: germline.
Comment: This sequence change replaces lysine, which is basic and polar, with threonine, which is neutral and polar, at codon 453 of the BAP1 protein (p.Lys453Thr). This variant is not present in population databases (gnomAD no frequency). This variant has not been reported in the literature in individuals affected with BAP1-related conditions. ClinVar contains an entry for this variant (Variation ID: 1007684). Advanced modeling of protein sequence and biophysical properties (such as structural, functional, and spatial information, amino acid conservation, physicochemical variation, residue mobility, and thermodynamic stability) performed at Invitae indicates that this missense variant is not expected to disrupt BAP1 protein function. In summary, the available evidence is currently insufficient to determine the role of this variant in disease. Therefore, it has been classified as a Variant of Uncertain Significance.